The following is an entry in ClinVar:

NM_006315.7(PCGF3):c.640C>T (p.His214Tyr)

Genes: PCGF3 (polycomb group ring finger 3; plus strand), PCGF3-AS1 (PCGF3 antisense RNA 1; minus strand), LOC107986211 (translation initiation factor IF-2; minus strand). Cytogenetic location: 4p16.3.
Variant type: single nucleotide variant.
Coding change: c.640C>T on transcript NM_006315.7 (MANE Select); coding-DNA position 640, C replaced by T.
Protein change: p.His214Tyr; replaces histidine 214 with tyrosine.
Molecular consequence: missense variant. On other transcripts: non-coding transcript variant (1).
Genome position (GRCh38, 1-based): chr4:765,023, C>T. VCF-style: chr4-765023-C-T. GRCh37 (hg19) VCF-style: chr4-758811-C-T.
Other names: c.640C>T, p.His214Tyr (NM_001317836.3, NM_001395245.1, NM_001395246.1 and 3 more transcripts); c.538C>T, p.His180Tyr (NM_001395250.1, NM_001395251.1); short protein forms H214Y, H180Y.
Identifiers: ClinVar variation 930979 (VCV000930979.4), dbSNP rs1745284197, ClinGen allele CA355915961.
Genomic context (GRCh38, chr4:765,023, plus strand): 5'-TCAAACCTCCTTATCCCCCAGCTGGACATTTTATGCAACGAGGAGATCCTGGGCAAGGAC[C>T]ACACACTCAAGTTCGTGGTTGTCACTAGGTGGAGATTCAAGGTGAGACACGTGATTTGAT-3'
Protein context (NP_006306.2, residues 204-224): LCNEEILGKD[His214Tyr]TLKFVVVTRW

ClinVar aggregate classification (germline): Uncertain significance (1 of 4 stars; one submission).

Submission:

Centre for Mendelian Genomics, University Medical Centre Ljubljana
Classification: Uncertain significance. Last evaluated: 2018-10-10. Review status: criteria provided, single submitter. Criteria: ACMG Guidelines, 2015. Collection method: clinical testing. Allele origin: unknown. Affected: yes.
Comment: This variant was classified as: Uncertain significance. The available evidence on this variant's pathogenicity is insufficient or conflicting. The following ACMG criteria were applied in classifying this variant: PM2,PP3.